The following is an entry in ClinVar:

ClinVar aggregate classification (germline): Uncertain significance. Review status: criteria provided, multiple submitters, no conflicts (2 of 4 stars). 2 submissions from 2 submitters: Uncertain significance (2). Last evaluated 2026-03-03.

Conditions:
Inborn genetic diseases. Identifiers: MedGen C0950123, MeSH D030342.

gnomAD v4.1: 1 of 1,613,980 alleles (0.000062%); highest among the groups gnomAD compares: Non-Finnish European, 0.000085%; no homozygotes.

Submissions (2):

Ambry Genetics
Classification: Uncertain significance for Inborn genetic diseases. Last evaluated: 2026-03-03. Review status: criteria provided, single submitter. Criteria: Ambry Variant Classification Scheme 2023. Collection method: clinical testing. Allele origin: germline.

Labcorp Genetics (formerly Invitae), Labcorp
Classification: Uncertain significance. Last evaluated: 2026-01-18. Review status: criteria provided, single submitter. Criteria: Invitae Variant Classification Sherloc (09022015). Collection method: clinical testing. Allele origin: germline.
Comment: This sequence change replaces arginine, which is basic and polar, with cysteine, which is neutral and slightly polar, at codon 3708 of the KMT2A protein (p.Arg3708Cys). This variant is not present in population databases (gnomAD no frequency). This variant has not been reported in the literature in individuals affected with KMT2A-related conditions. Invitae Evidence Modeling of protein sequence and biophysical properties (such as structural, functional, and spatial information, amino acid conservation, physicochemical variation, residue mobility, and thermodynamic stability) indicates that this missense variant is not expected to disrupt KMT2A protein function with a negative predictive value of 95%. In summary, the available evidence is currently insufficient to determine the role of this variant in disease. Therefore, it has been classified as a Variant of Uncertain Significance.

NM_001197104.2(KMT2A):c.11122C>T (p.Arg3708Cys)

Genes: KMT2A (lysine methyltransferase 2A; plus strand), TTC36-AS1 (TTC36 and KMT2A antisense RNA 1; minus strand). Cytogenetic location: 11q23.3.
Variant type: single nucleotide variant.
Coding change: c.11122C>T on transcript NM_001197104.2 (MANE Select); coding-DNA position 11122, C replaced by T.
Protein change: p.Arg3708Cys; replaces arginine 3708 with cysteine.
Molecular consequence: missense variant. On other transcripts: non-coding transcript variant (1).
Genome position (GRCh38, 1-based): chr11:118,512,001, C>T. VCF-style: chr11-118512001-C-T. GRCh37 (hg19) VCF-style: chr11-118382716-C-T.
Other names: c.11212C>T, p.Arg3738Cys (NM_001412597.1); c.11113C>T, p.Arg3705Cys (NM_005933.4); short protein forms R3705C, R3708C, R3738C.
Identifiers: ClinVar variation 4775648 (VCV004775648.2).